The following is an entry in ClinVar:

NM_003803.4(MYOM1):c.4346dup (p.Glu1450fs)

Gene: MYOM1 (myomesin 1; minus strand). Cytogenetic location: 18p11.31.
Variant type: Duplication.
Coding change: c.4346dup on transcript NM_003803.4 (MANE Select); coding-DNA position 4346, one base duplicated (A; older notation c.4346dupA).
Protein change: p.Glu1450fs; shifts the reading frame from glutamic acid 1450.
Molecular consequence: frameshift variant.
Genome position (GRCh38, 1-based): chr18:3,084,021, T duplicated on the plus strand (A on the coding strand, the reverse complement: MYOM1 is on the minus strand); the first of 2 consecutive T bases (chr18:3,084,021-3,084,022); duplicating either gives the same sequence. VCF-style (leftmost placement, unchanged base first): chr18-3084020-C-CT. GRCh37 (hg19) VCF-style: chr18-3084018-C-CT.
Other names: c.4058dup, p.Glu1354fs (NM_019856.2); short protein forms E1450fs, E1354fs.
Identifiers: ClinVar variation 1400806 (VCV001400806.6), dbSNP rs2143684013, ClinGen allele CA2573155069.

ClinVar aggregate classification (germline): Uncertain significance (1 of 4 stars; one submission).

Conditions:
Hypertrophic cardiomyopathy. Also called: HYPERTROPHIC MYOCARDIOPATHY. Identifiers: Orphanet 217569, MedGen C0007194, MeSH D002312, MONDO:0005045, HP:0001639.

Submission:

Labcorp Genetics (formerly Invitae), Labcorp
Classification: Uncertain significance for Hypertrophic cardiomyopathy. Last evaluated: 2022-07-12. Review status: criteria provided, single submitter. Criteria: Invitae Variant Classification Sherloc (09022015). Collection method: clinical testing. Allele origin: germline.
Comment: This variant is not present in population databases (gnomAD no frequency). This sequence change creates a premature translational stop signal (p.Glu1450Glyfs*42) in the MYOM1 gene. It is expected to result in an absent or disrupted protein product. However, the current clinical and genetic evidence is not sufficient to establish whether loss-of-function variants in MYOM1 cause disease. In summary, the available evidence is currently insufficient to determine the role of this variant in disease. Therefore, it has been classified as a Variant of Uncertain Significance. ClinVar contains an entry for this variant (Variation ID: 1400806). This variant has not been reported in the literature in individuals affected with MYOM1-related conditions.